The following is an entry in ClinVar:

ClinVar aggregate classification (germline): Pathogenic/Likely pathogenic. Review status: criteria provided, multiple submitters, no conflicts (2 of 4 stars). 3 submissions from 3 submitters: Pathogenic (1); Likely pathogenic (2). Last evaluated 2025-10-03.

Conditions:
Autosomal recessive nonsyndromic hearing loss 29. Identifiers: Orphanet 90636, MedGen C3279660, MONDO:0013537, OMIM 614035.
Hearing impairment. Also called: Impaired Hearing. Identifiers: MedGen C1384666, MONDO:0005365, HP:0000365.

Allele frequency attached by ClinVar (database versions not stated): gnomAD exomes below 0.00001 and 0.00002; TOPMed 0.00002; gnomAD 0.00003.
gnomAD v4.1: 31 of 1,604,634 alleles (0.0019%); highest among the groups gnomAD compares: Non-Finnish European, 0.0026%; no homozygotes.

Submissions (3):

Rare Kidney Stone Consortium and the Mayo Clinic Hyperoxaluria Center, Mayo Clinic
Classification: Likely pathogenic for Autosomal recessive nonsyndromic hearing loss 29. Last evaluated: 2025-10-03. Review status: criteria provided, single submitter. Criteria: ACMG Guidelines, 2015. Collection method: research. Allele origin: germline. Observed: 1 variant allele.
Comment: ACMG:PVS1, PM2, PP3, PP5

Labcorp Genetics (formerly Invitae), Labcorp
Classification: Pathogenic. Last evaluated: 2025-08-13. Review status: criteria provided, single submitter. Criteria: Invitae Variant Classification Sherloc (09022015). Collection method: clinical testing. Allele origin: germline.
Comment: This sequence change creates a premature translational stop signal (p.Trp30*) in the CLDN14 gene. While this is not anticipated to result in nonsense mediated decay, it is expected to disrupt the last 210 amino acid(s) of the CLDN14 protein. The frequency data for this variant in the population databases is considered unreliable, as metrics indicate poor data quality at this position in the gnomAD database. This variant has not been reported in the literature in individuals affected with CLDN14-related conditions. ClinVar contains an entry for this variant (Variation ID: 1064997). This variant disrupts a region of the CLDN14 protein in which other variant(s) (p.Arg81His) have been determined to be pathogenic (PMID: 22246673, 23235333). This suggests that this is a clinically significant region of the protein, and that variants that disrupt it are likely to be disease-causing. For these reasons, this variant has been classified as Pathogenic.

Department of Otolaryngology – Head & Neck Surgery, Cochlear Implant Center
Classification: Likely pathogenic for Hearing impairment. Last evaluated: 2021-04-12. Review status: criteria provided, single submitter. Criteria: ClinGen HL ACMG Specifications v1. Collection method: clinical testing. Allele origin: germline. Affected: yes.
Comment: PVS1_Very Strong, PM2_Moderate

Literature cited by the submitters: PubMed 40794449 (cited by Rare Kidney Stone Consortium and the Mayo Clinic Hyperoxaluria Center, Mayo Clinic); PubMed 22246673 (cited by Labcorp Genetics (formerly Invitae), Labcorp); PubMed 23235333 (cited by Labcorp Genetics (formerly Invitae), Labcorp).

NM_001146079.2(CLDN14):c.89G>A (p.Trp30Ter)

Genes: CLDN14 (claudin 14; minus strand), CLDN14-AS1 (CLDN14 antisense RNA 1; plus strand). Cytogenetic location: 21q22.13.
Variant type: single nucleotide variant.
Coding change: c.89G>A on transcript NM_001146079.2 (MANE Select); coding-DNA position 89, G replaced by A.
Protein change: p.Trp30Ter; replaces tryptophan 30 with a stop codon.
Molecular consequence: nonsense.
Genome position (GRCh38, 1-based): chr21:36,461,607, C>T on the plus strand (G>A on the coding strand, the complement: CLDN14 is on the minus strand). VCF-style: chr21-36461607-C-T. GRCh37 (hg19) VCF-style: chr21-37833905-C-T.
Other names: c.89G>A, p.Trp30Ter (NM_001146077.2, NM_001146078.3, NM_012130.4 and 1 more transcripts); short protein forms W30*.
Identifiers: ClinVar variation 1064997 (VCV001064997.9), dbSNP rs1273842424, ClinGen allele CA409884708.